The following is an entry in ClinVar:

NM_003921.5(BCL10):c.489G>A (p.Thr163=)

Gene: BCL10 (BCL10 immune signaling adaptor; minus strand). Cytogenetic location: 1p22.3.
Variant type: single nucleotide variant.
Coding change: c.489G>A on transcript NM_003921.5 (MANE Select); coding-DNA position 489, G replaced by A.
Protein change: p.Thr163=; no amino-acid change (threonine 163 retained).
Molecular consequence: synonymous variant.
Genome position (GRCh38, 1-based): chr1:85,267,840, C>T on the plus strand (G>A on the coding strand, the complement: BCL10 is on the minus strand). VCF-style: chr1-85267840-C-T. GRCh37 (hg19) VCF-style: chr1-85733523-C-T.
Other names: c.456G>A, p.Thr152= (NM_001320715.2).
Identifiers: ClinVar variation 758473 (VCV000758473.13), dbSNP rs139473915, ClinGen allele CA929738.

ClinVar aggregate classification (germline): Likely benign. Review status: criteria provided, single submitter (1 of 4 stars). 2 submissions from 2 submitters: Likely benign (1). 1 of the submissions does not count toward it. Last evaluated 2025-10-07.

Conditions:
BCL10-related disorder. Also called: BCL10-related condition.
Immunodeficiency 37 (IMD37). Identifiers: MedGen C4015195, MONDO:0014491, OMIM 616098.

Allele frequency attached by ClinVar (database versions not stated): gnomAD 0.00003; 1000 Genomes Project 30x 0.00016; 1000 Genomes Project 0.00020; TOPMed 0.00022; ESP Exome Variant Server 0.00038.
gnomAD v4.1: 64 of 1,614,186 alleles (0.004%); highest among the groups gnomAD compares: African/African-American, 0.044%; no homozygotes.

Submissions (2):

Labcorp Genetics (formerly Invitae), Labcorp
Classification: Likely benign for Immunodeficiency 37. Last evaluated: 2025-10-07. Review status: criteria provided, single submitter. Criteria: Invitae Variant Classification Sherloc (09022015). Collection method: clinical testing. Allele origin: germline.

PreventionGenetics, part of Exact Sciences
Classification: Likely benign for BCL10-related condition. Last evaluated: 2019-04-10. Review status: no assertion criteria provided. Collection method: clinical testing. Allele origin: germline. Not counted in ClinVar's aggregate classification.
Comment: This variant is classified as likely benign based on ACMG/AMP sequence variant interpretation guidelines (Richards et al. 2015 PMID: 25741868, with internal and published modifications).